The following is an entry in ClinVar:

NM_003024.3(ITSN1):c.1576C>G (p.His526Asp)

Gene: ITSN1 (intersectin 1; plus strand). Cytogenetic location: 21q22.11.
Variant type: single nucleotide variant.
Coding change: c.1576C>G on transcript NM_003024.3 (MANE Select); coding-DNA position 1576, C replaced by G.
Protein change: p.His526Asp; replaces histidine 526 with aspartic acid.
Molecular consequence: missense variant.
Genome position (GRCh38, 1-based): chr21:33,775,088, C>G. VCF-style: chr21-33775088-C-G. GRCh37 (hg19) VCF-style: chr21-35147392-C-G.
Other names: c.1576C>G, p.His526Asp (NM_001001132.2, NM_001331008.2, NM_001331009.2 and 2 more transcripts); c.1465C>G, p.His489Asp (NM_001331012.2); short protein forms H489D, H526D.
Identifiers: ClinVar variation 3367583 (VCV003367583.1).

ClinVar aggregate classification (germline): Uncertain significance (1 of 4 stars; one submission).

Submission:

GeneDx
Classification: Uncertain significance. Last evaluated: 2024-01-18. Review status: criteria provided, single submitter. Criteria: GeneDx Variant Classification Process June 2021. Collection method: clinical testing. Allele origin: germline. Affected: yes.
Comment: Not observed at significant frequency in large population cohorts (gnomAD); In silico analysis supports that this missense variant does not alter protein structure/function; Has not been previously published as pathogenic or benign to our knowledge